The following is an entry in ClinVar:

ClinVar aggregate classification (germline): Likely pathogenic (1 of 4 stars; one submission).

Submission:

Mayo Clinic Laboratories, Mayo Clinic
Classification: Likely pathogenic. Last evaluated: 2024-11-19. Review status: criteria provided, single submitter. Criteria: ACMG Guidelines, 2015. Collection method: clinical testing. Allele origin: germline. Observed: 1 variant allele.
Comment: PM2_supporting, PVS1

NM_000037.4(ANK1):c.4395_4396dup (p.Asn1466fs)

Genes: ANK1 (ankyrin 1; minus strand), LOC126860368 (BRD4-independent group 4 enhancer GRCh37_chr8:41541049-41542248; plus strand). Cytogenetic location: 8p11.21.
Variant type: Microsatellite.
Coding change: c.4395_4396dup on transcript NM_000037.4 (MANE Select); coding-DNA positions 4395 to 4396, 2 bases duplicated (GA; older notation c.4395_4396dupGA).
Protein change: p.Asn1466fs; shifts the reading frame from asparagine 1466.
Molecular consequence: frameshift variant.
Genome position (GRCh38, 1-based): chr8:41,684,685-41,684,686, TC duplicated on the plus strand (GA on the coding strand, the reverse complement: ANK1 is on the minus strand); duplicating any 2 consecutive bases within chr8:41,684,685-41,684,688 gives the same sequence; the c. name uses the placement nearest the transcript's 3' end. VCF-style (leftmost placement, unchanged base first): chr8-41684684-T-TTC. GRCh37 (hg19) VCF-style: chr8-41542202-T-TTC.
Other names: p.Asn1466Argfs*16; c.4518_4519dup, p.Asn1507fs (NM_001142446.2); c.4395_4396dup, p.Asn1466fs (NM_020475.3, NM_020476.3, NM_020477.3); short protein forms N1466fs, N1507fs.
Identifiers: ClinVar variation 4541358 (VCV004541358.1).
Genomic context (GRCh38, chr8:41,684,684, plus strand): 5'-GAACCCTCCAGCATGTTCACGATCTCGCCACGGTCAATGCTCTGCAGGGCTGTGTACAGA[T>TTC]TCTCCACTGTGGGCGCAGAAGAGAGATGCACGTTACTCCAGGCCGGTGAGCGAGGATCAC-3'